The following is an entry in ClinVar:

ClinVar aggregate classification (germline): Uncertain significance (1 of 4 stars; one submission).

Conditions:
Hereditary cancer-predisposing syndrome. Also called: Tumor predisposition; Hereditary Cancer Syndrome; Hereditary neoplastic syndrome; Neoplastic Syndromes, Hereditary. Identifiers: Orphanet 140162, MedGen C0027672, MeSH D009386, MONDO:0015356.

Submission:

Ambry Genetics
Classification: Uncertain significance for Hereditary cancer-predisposing syndrome. Last evaluated: 2024-04-14. Review status: criteria provided, single submitter. Criteria: Ambry Variant Classification Scheme 2023. Collection method: clinical testing. Allele origin: germline.
Comment: The p.S2842Y variant (also known as c.8525C>A), located in coding exon 15 of the APC gene, results from a C to A substitution at nucleotide position 8525. The serine at codon 2842 is replaced by tyrosine, an amino acid with dissimilar properties. This amino acid position is conserved. In addition, in silico predictors for this gene do not accurately predict pathogenicity. Based on the available evidence, the clinical significance of this variant remains unclear.

NM_000038.6(APC):c.8525C>A (p.Ser2842Tyr)

Gene: APC (APC regulator of Wnt signaling pathway; plus strand). Cytogenetic location: 5q22.2.
Variant type: single nucleotide variant.
Coding change: c.8525C>A on transcript NM_000038.6 (MANE Select); coding-DNA position 8525, C replaced by A.
Protein change: p.Ser2842Tyr; replaces serine 2842 with tyrosine.
Molecular consequence: missense variant. On other transcripts: non-coding transcript variant (2).
Genome position (GRCh38, 1-based): chr5:112,844,119, C>A. VCF-style: chr5-112844119-C-A. GRCh37 (hg19) VCF-style: chr5-112179816-C-A.
Other names: c.8222C>A, p.Ser2741Tyr (NM_001354903.2, NM_001407458.1, NM_001407459.1 and 1 more transcripts); c.8147C>A, p.Ser2716Tyr (NM_001354904.2); c.8045C>A, p.Ser2682Tyr (NM_001354905.2); c.7676C>A, p.Ser2559Tyr (NM_001354906.2, NM_001407470.1); c.8609C>A, p.Ser2870Tyr (NM_001407446.1); c.8579C>A, p.Ser2860Tyr (NM_001407447.1, NM_001407448.1, NM_001407449.1 and 1 more transcripts); c.8525C>A, p.Ser2842Tyr (NM_001407450.1, NM_001127510.3, NM_001354895.2); c.8504C>A, p.Ser2835Tyr (NM_001407451.1); and 11 more; short protein forms S2824Y, S2458Y, S2682Y, S2751Y, S2783Y, S2817Y, S2860Y, S2870Y.
Identifiers: ClinVar variation 3304732 (VCV003304732.1).